The following is an entry in ClinVar:

NM_014975.3(MAST1):c.644G>A (p.Gly215Asp)

Genes: MAST1 (microtubule associated serine/threonine kinase 1; plus strand), LOC117125587 (CRISPRi-FlowFISH-validated KLF1 and PRDX2 regulatory element; plus strand). Cytogenetic location: 19p13.13.
Variant type: single nucleotide variant.
Coding change: c.644G>A on transcript NM_014975.3 (MANE Select); coding-DNA position 644, G replaced by A.
Protein change: p.Gly215Asp; replaces glycine 215 with aspartic acid.
Molecular consequence: missense variant.
Genome position (GRCh38, 1-based): chr19:12,847,927, G>A. VCF-style: chr19-12847927-G-A. GRCh37 (hg19) VCF-style: chr19-12958741-G-A.
Other names: short protein forms G215D.
Identifiers: ClinVar variation 2849871 (VCV002849871.3), dbSNP rs2512524249, ClinGen allele CA404261353.
Genomic context (GRCh38, chr19:12,847,927, plus strand): 5'-AGAAGCTGCGCGACTTTACCCGCGCCTACGAACCCGACAGCGTTCTGCCTCTGGCCGATG[G>A]CGTGCTCAGCTTCATCCACCACCAGATCATCGAGCTGGCCCGGGACTGCCTGACCAAGTC-3'
Protein context (NP_055790.1, residues 205-225): EPDSVLPLAD[Gly215Asp]VLSFIHHQII

ClinVar aggregate classification (germline): Uncertain significance (1 of 4 stars; one submission).

Submission:

Labcorp Genetics (formerly Invitae), Labcorp
Classification: Uncertain significance. Last evaluated: 2023-03-26. Review status: criteria provided, single submitter. Criteria: Invitae Variant Classification Sherloc (09022015). Collection method: clinical testing. Allele origin: germline.
Comment: In summary, the available evidence is currently insufficient to determine the role of this variant in disease. Therefore, it has been classified as a Variant of Uncertain Significance. An algorithm developed to predict the effect of missense changes on protein structure and function (PolyPhen-2) suggests that this variant is likely to be disruptive. This variant has not been reported in the literature in individuals affected with MAST1-related conditions. This variant is not present in population databases (gnomAD no frequency). This sequence change replaces glycine, which is neutral and non-polar, with aspartic acid, which is acidic and polar, at codon 215 of the MAST1 protein (p.Gly215Asp).